The following is an entry in ClinVar:

ClinVar aggregate classification (germline): Uncertain significance (1 of 4 stars; one submission).

Conditions:
Immunodeficiency-centromeric instability-facial anomalies syndrome 2 (ICF2). Identifiers: Orphanet 2268, MedGen C3279748, MONDO:0013553, OMIM 614069.

Submission:

Labcorp Genetics (formerly Invitae), Labcorp
Classification: Uncertain significance for Immunodeficiency-centromeric instability-facial anomalies syndrome 2. Last evaluated: 2022-08-09. Review status: criteria provided, single submitter. Criteria: Invitae Variant Classification Sherloc (09022015). Collection method: clinical testing. Allele origin: germline.
Comment: In summary, the available evidence is currently insufficient to determine the role of this variant in disease. Therefore, it has been classified as a Variant of Uncertain Significance. Algorithms developed to predict the effect of missense changes on protein structure and function output the following: SIFT: "Not Available"; PolyPhen-2: "Benign"; Align-GVGD: "Not Available". The isoleucine amino acid residue is found in multiple mammalian species, which suggests that this missense change does not adversely affect protein function. ClinVar contains an entry for this variant (Variation ID: 1523638). This variant has not been reported in the literature in individuals affected with ZBTB24-related conditions. This variant is not present in population databases (gnomAD no frequency). This sequence change replaces valine with isoleucine at codon 270 of the ZBTB24 protein (p.Val270Ile). The valine residue is moderately conserved and there is a small physicochemical difference between valine and isoleucine.

NM_014797.3(ZBTB24):c.808G>A (p.Val270Ile)

Gene: ZBTB24 (zinc finger and BTB domain containing 24; minus strand). Cytogenetic location: 6q21.
Variant type: single nucleotide variant.
Coding change: c.808G>A on transcript NM_014797.3 (MANE Select); coding-DNA position 808, G replaced by A.
Protein change: p.Val270Ile; replaces valine 270 with isoleucine.
Molecular consequence: missense variant.
Genome position (GRCh38, 1-based): chr6:109,481,219, C>T on the plus strand (G>A on the coding strand, the complement: ZBTB24 is on the minus strand). VCF-style: chr6-109481219-C-T. GRCh37 (hg19) VCF-style: chr6-109802422-C-T.
Other names: c.808G>A, p.Val270Ile (NM_001164313.2); short protein forms V270I.
Identifiers: ClinVar variation 1523638 (VCV001523638.6), dbSNP rs1044622834, ClinGen allele CA365208060.